The following is an entry in ClinVar:

NM_012096.3(APPL1):c.1654T>G (p.Leu552Val)

Gene: APPL1 (adaptor protein, phosphotyrosine interacting with PH domain and leucine zipper 1; plus strand). Cytogenetic location: 3p14.3.
Variant type: single nucleotide variant.
Coding change: c.1654T>G on transcript NM_012096.3 (MANE Select); coding-DNA position 1654, T replaced by G.
Protein change: p.Leu552Val; replaces leucine 552 with valine.
Molecular consequence: missense variant.
Genome position (GRCh38, 1-based): chr3:57,260,015, T>G. VCF-style: chr3-57260015-T-G. GRCh37 (hg19) VCF-style: chr3-57294043-T-G.
Other names: short protein forms L552V.
Identifiers: ClinVar variation 3128078 (VCV003128078.2), dbSNP rs994759720, ClinGen allele CA74960842.

ClinVar aggregate classification (germline): Uncertain significance. Review status: criteria provided, multiple submitters, no conflicts (2 of 4 stars). 2 submissions from 2 submitters: Uncertain significance (2). Last evaluated 2026-03-02.

Allele frequency attached by ClinVar (database versions not stated): gnomAD exomes below 0.00001; gnomAD 0.00009; TOPMed 0.00017.

Submissions (2):

Women's Health and Genetics/Laboratory Corporation of America, LabCorp
Classification: Uncertain significance. Last evaluated: 2026-03-02. Review status: criteria provided, single submitter. Criteria: LabCorp Variant Classification Summary - May 2015. Collection method: clinical testing. Allele origin: germline.
Comment: Variant summary: APPL1 c.1654T>G (p.Leu552Val) results in a conservative amino acid change in the encoded protein sequence. Algorithms developed to predict the effect of missense changes on protein structure and function are either unavailable or do not agree on the potential impact of this missense change. The variant allele was found at a frequency of 4e-06 in 249946 control chromosomes. The available data on variant occurrences in the general population are insufficient to allow any conclusion about variant significance. To our knowledge, no occurrence of c.1654T>G in individuals affected with APPL1-related conditions and no experimental evidence demonstrating its impact on protein function have been reported. ClinVar contains an entry for this variant (Variation ID: 3128078). Based on the evidence outlined above, the variant was classified as uncertain significance.

Ambry Genetics
Classification: Uncertain significance. Last evaluated: 2024-01-23. Review status: criteria provided, single submitter. Criteria: Ambry Variant Classification Scheme 2023. Collection method: clinical testing. Allele origin: germline.